The following is an entry in ClinVar:

NM_001355436.2(SPTB):c.5799-1G>A

Gene: SPTB (spectrin beta, erythrocytic; minus strand). Cytogenetic location: 14q23.3.
Variant type: single nucleotide variant.
Coding change: c.5799-1G>A on transcript NM_001355436.2 (MANE Select); the canonical splice acceptor site of the intron before coding-DNA position 5799, G replaced by A.
Molecular consequence: splice acceptor variant.
Genome position (GRCh38, 1-based): chr14:64,769,729, C>T on the plus strand (G>A on the coding strand, the complement: SPTB is on the minus strand). VCF-style: chr14-64769729-C-T. GRCh37 (hg19) VCF-style: chr14-65236447-C-T.
Other names: c.5799-1G>A (NM_001024858.4, NM_001355437.2).
Identifiers: ClinVar variation 3728282 (VCV003728282.3).

ClinVar aggregate classification (germline): Likely pathogenic. Review status: criteria provided, multiple submitters, no conflicts (2 of 4 stars). 2 submissions from 2 submitters: Likely pathogenic (2). Last evaluated 2024-12-30.

Submissions (2):

Labcorp Genetics (formerly Invitae), Labcorp
Classification: Likely pathogenic. Last evaluated: 2024-12-30. Review status: criteria provided, single submitter. Criteria: Invitae Variant Classification Sherloc (09022015). Collection method: clinical testing. Allele origin: germline.
Comment: This sequence change affects an acceptor splice site in intron 26 of the SPTB gene. It is expected to disrupt RNA splicing. Variants that disrupt the donor or acceptor splice site typically lead to a loss of protein function (PMID: 16199547), and loss-of-function variants in SPTB are known to be pathogenic (PMID: 1391962, 1498324, 8844207, 26830532, 27292444). This variant is not present in population databases (gnomAD no frequency). Disruption of this splice site has been observed in individual(s) with clinical features of hereditary spherocytosis (internal data). Algorithms developed to predict the effect of sequence changes on RNA splicing suggest that this variant may disrupt the consensus splice site. In summary, the currently available evidence indicates that the variant is pathogenic, but additional data are needed to prove that conclusively. Therefore, this variant has been classified as Likely Pathogenic.

Revvity Omics, Revvity
Classification: Likely pathogenic. Last evaluated: 2023-10-25. Review status: criteria provided, single submitter. Criteria: ACMG Guidelines, 2015. Collection method: clinical testing. Allele origin: germline.

Literature cited by the submitters: PubMed 16199547 (cited by Labcorp Genetics (formerly Invitae), Labcorp); PubMed 1391962 (cited by Labcorp Genetics (formerly Invitae), Labcorp); PubMed 1498324 (cited by Labcorp Genetics (formerly Invitae), Labcorp); PubMed 8844207 (cited by Labcorp Genetics (formerly Invitae), Labcorp); PubMed 26830532 (cited by Labcorp Genetics (formerly Invitae), Labcorp); PubMed 27292444 (cited by Labcorp Genetics (formerly Invitae), Labcorp).